The following is an entry in ClinVar:

NM_000535.7(PMS2):c.2213T>C (p.Val738Ala)

Gene: PMS2 (PMS1 homolog 2, mismatch repair system component; minus strand). Cytogenetic location: 7p22.1.
Variant type: single nucleotide variant.
Coding change: c.2213T>C on transcript NM_000535.7 (MANE Select); coding-DNA position 2213, T replaced by C.
Protein change: p.Val738Ala; replaces valine 738 with alanine.
Molecular consequence: missense variant. On other transcripts: non-coding transcript variant (1).
Genome position (GRCh38, 1-based): chr7:5,978,658, A>G on the plus strand (T>C on the coding strand, the complement: PMS2 is on the minus strand). VCF-style: chr7-5978658-A-G. GRCh37 (hg19) VCF-style: chr7-6018289-A-G.
Other names: c.1808T>C, p.Val603Ala (NM_001322003.2, NM_001322004.2, NM_001322005.2 and 1 more transcripts); c.2057T>C, p.Val686Ala (NM_001322006.2); c.1895T>C, p.Val632Ala (NM_001322007.2, NM_001322008.2); c.1652T>C, p.Val551Ala (NM_001322010.2); c.1280T>C, p.Val427Ala (NM_001322011.2, NM_001322012.2); c.1640T>C, p.Val547Ala (NM_001322013.2); c.2213T>C, p.Val738Ala (NM_001322014.2); c.1904T>C, p.Val635Ala (NM_001322015.2); short protein forms V547A, V603A, V686A, V427A, V632A, V738A, V551A, V635A.
Identifiers: ClinVar variation 647750 (VCV000647750.7), dbSNP rs1583285889, ClinGen allele CA366736786.

ClinVar aggregate classification (germline): Uncertain significance. Review status: criteria provided, multiple submitters, no conflicts (2 of 4 stars). 2 submissions from 2 submitters: Uncertain significance (2). Last evaluated 2025-03-12.

Conditions:
Hereditary nonpolyposis colorectal neoplasms. Identifiers: MedGen C0009405, MeSH D003123.
Hereditary cancer-predisposing syndrome. Also called: Hereditary Cancer Syndrome; Tumor predisposition; Hereditary neoplastic syndrome; Neoplastic Syndromes, Hereditary. Identifiers: Orphanet 140162, MedGen C0027672, MeSH D009386, MONDO:0015356.

Submissions (2):

Labcorp Genetics (formerly Invitae), Labcorp
Classification: Uncertain significance for Hereditary nonpolyposis colorectal neoplasms. Last evaluated: 2025-03-12. Review status: criteria provided, single submitter. Criteria: Invitae Variant Classification Sherloc (09022015). Collection method: clinical testing. Allele origin: germline.
Comment: This sequence change replaces valine, which is neutral and non-polar, with alanine, which is neutral and non-polar, at codon 738 of the PMS2 protein (p.Val738Ala). The frequency data for this variant in the population databases (gnomAD) is considered unreliable due to the presence of homologous sequence, such as pseudogenes or paralogs, in the genome. This variant has not been reported in the literature in individuals affected with PMS2-related conditions. ClinVar contains an entry for this variant (Variation ID: 647750). Invitae Evidence Modeling incorporating data from in vitro experimental studies (internal data) indicates that this missense variant is not expected to disrupt PMS2 function with a negative predictive value of 95%. In summary, the available evidence is currently insufficient to determine the role of this variant in disease. Therefore, it has been classified as a Variant of Uncertain Significance.

Ambry Genetics
Classification: Uncertain significance for Hereditary cancer-predisposing syndrome. Last evaluated: 2023-06-10. Review status: criteria provided, single submitter. Criteria: Ambry Variant Classification Scheme 2023. Collection method: clinical testing. Allele origin: germline.
Comment: The p.V738A variant (also known as c.2213T>C), located in coding exon 13 of the PMS2 gene, results from a T to C substitution at nucleotide position 2213. The valine at codon 738 is replaced by alanine, an amino acid with similar properties. This amino acid position is conserved. In addition, this alteration is predicted to be tolerated by in silico analysis. Since supporting evidence is limited at this time, the clinical significance of this alteration remains unclear.